The following is an entry in ClinVar:

NM_000321.3(RB1):c.862-19G>C

Gene: RB1 (RB transcriptional corepressor 1; plus strand). Cytogenetic location: 13q14.2.
Variant type: single nucleotide variant.
Coding change: c.862-19G>C on transcript NM_000321.3 (MANE Select); 19 bases into the intron before coding-DNA position 862, G replaced by C.
Molecular consequence: intron variant.
Genome position (GRCh38, 1-based): chr13:48,364,875, G>C. VCF-style: chr13-48364875-G-C. GRCh37 (hg19) VCF-style: chr13-48939011-G-C.
Identifiers: ClinVar variation 1617784 (VCV001617784.9), dbSNP rs1321331035, ClinGen allele CA698667557.

ClinVar aggregate classification (germline): Likely benign. Review status: criteria provided, multiple submitters, no conflicts (2 of 4 stars). 2 submissions from 2 submitters: Likely benign (2). Last evaluated 2026-06-18.

Conditions:
Retinoblastoma (RB1). Also called: RETINOBLASTOMA, SOMATIC. Identifiers: Orphanet 790, MedGen C0035335, MeSH D012175, MONDO:0008380, OMIM 180200, HP:0009919. Disease mechanism: loss of function. Inheritance: Both sporadic and heritable forms are tested..

Allele frequency attached by ClinVar (database versions not stated): gnomAD exomes below 0.00001; TOPMed 0.00001.
gnomAD v4.1: 2 of 1,547,810 alleles (0.00013%); highest among the groups gnomAD compares: Non-Finnish European, 0.00017%; no homozygotes.

Submissions (2):

Myriad Genetics, Inc.
Classification: Likely benign for Retinoblastoma. Last evaluated: 2026-06-18. Review status: criteria provided, single submitter. Criteria: Myriad Autosomal Dominant, Autosomal Recessive and X-Linked Classification Criteria (2023). Collection method: clinical testing. Allele origin: unknown.
Comment: This variant is considered likely benign. This variant is intronic and is not expected to impact mRNA splicing.

Labcorp Genetics (formerly Invitae), Labcorp
Classification: Likely benign for Retinoblastoma. Last evaluated: 2025-03-07. Review status: criteria provided, single submitter. Criteria: Invitae Variant Classification Sherloc (09022015). Collection method: clinical testing. Allele origin: germline.